The following is an entry in ClinVar:

ClinVar aggregate classification (germline): Uncertain significance (1 of 4 stars; one submission).

Submission:

GeneDx
Classification: Uncertain significance. Last evaluated: 2026-02-12. Review status: criteria provided, single submitter. Criteria: GeneDx Variant Classification Process June 2021. Collection method: clinical testing. Allele origin: germline.
Comment: Not observed at significant frequency in large population cohorts (gnomAD); In silico analysis supports that this missense variant has a deleterious effect on protein structure/function; Has not been previously published as pathogenic or benign to our knowledge

NM_012434.5(SLC17A5):c.701G>A (p.Gly234Asp)

Gene: SLC17A5 (solute carrier family 17 member 5; minus strand). Cytogenetic location: 6q13.
Variant type: single nucleotide variant.
Coding change: c.701G>A on transcript NM_012434.5 (MANE Select); coding-DNA position 701, G replaced by A.
Protein change: p.Gly234Asp; replaces glycine 234 with aspartic acid.
Molecular consequence: missense variant.
Genome position (GRCh38, 1-based): chr6:73,635,500, C>T on the plus strand (G>A on the coding strand, the complement: SLC17A5 is on the minus strand). VCF-style: chr6-73635500-C-T. GRCh37 (hg19) VCF-style: chr6-74345223-C-T.
Other names: c.470G>A, p.Gly157Asp (NM_001382629.1); c.701G>A, p.Gly234Asp (NM_001382630.1, NM_001382633.1, NM_001382634.1); c.722G>A, p.Gly241Asp (NM_001382631.1); c.614G>A, p.Gly205Asp (NM_001382632.1); c.698G>A, p.Gly233Asp (NM_001382635.1); c.383G>A, p.Gly128Asp (NM_001382636.1); c.701G>A (NM_012434.4); short protein forms G128D, G157D, G205D, G233D, G234D, G241D.
Identifiers: ClinVar variation 4857540 (VCV004857540.1).